The following is an entry in ClinVar:

NM_032120.4(RBM48):c.620C>T (p.Ser207Phe)

Gene: RBM48 (RNA binding motif protein 48; plus strand). Cytogenetic location: 7q21.2.
Variant type: single nucleotide variant.
Coding change: c.620C>T on transcript NM_032120.4 (MANE Select); coding-DNA position 620, C replaced by T.
Protein change: p.Ser207Phe; replaces serine 207 with phenylalanine.
Molecular consequence: missense variant.
Genome position (GRCh38, 1-based): chr7:92,534,573, C>T. VCF-style: chr7-92534573-C-T. GRCh37 (hg19) VCF-style: chr7-92163887-C-T.
Other names: c.620C>T, p.Ser207Phe (NM_001363366.1); c.95C>T, p.Ser32Phe (NM_001363367.1); short protein forms S207F, S32F.
Identifiers: ClinVar variation 4710192 (VCV004710192.1).
Genomic context (GRCh38, chr7:92,534,573, plus strand): 5'-CTGCAGGGAACTCAAATCCTTATCTTCCGTATTCCTGTGAATTGCCTTTATGTTATTTCT[C>T]CTCAAAATGTATGTGTTCATCCGGGGGACCTGTAGACAGAGCACCAGACTCCTCTAAGGA-3'
Protein context (NP_115496.2, residues 197-217): YSCELPLCYF[Ser207Phe]SKCMCSSGGP

ClinVar aggregate classification (germline): Uncertain significance (1 of 4 stars; one submission).

gnomAD v4.1: 4 of 1,614,152 alleles (0.00025%); highest among the groups gnomAD compares: Admixed American, 0.0017%; no homozygotes.

Submission:

Labcorp Genetics (formerly Invitae), Labcorp
Classification: Uncertain significance. Last evaluated: 2025-07-16. Review status: criteria provided, single submitter. Criteria: Invitae Variant Classification Sherloc (09022015). Collection method: clinical testing. Allele origin: germline.
Comment: This sequence change replaces serine, which is neutral and polar, with phenylalanine, which is neutral and non-polar, at codon 207 of the RBM48 protein (p.Ser207Phe). This variant is present in population databases (no rsID available, gnomAD 0.007%). This variant has not been reported in the literature in individuals affected with RBM48-related conditions. Invitae Evidence Modeling of protein sequence and biophysical properties (such as structural, functional, and spatial information, amino acid conservation, physicochemical variation, residue mobility, and thermodynamic stability) indicates that this missense variant is not expected to disrupt RBM48 protein function with a negative predictive value of 80%. In summary, the available evidence is currently insufficient to determine the role of this variant in disease. Therefore, it has been classified as a Variant of Uncertain Significance.